The following is an entry in ClinVar:

NM_001958.5(EEF1A2):c.1321G>T (p.Val441Leu)

Gene: EEF1A2 (eukaryotic translation elongation factor 1 alpha 2; minus strand). Cytogenetic location: 20q13.33.
Variant type: single nucleotide variant.
Coding change: c.1321G>T on transcript NM_001958.5 (MANE Select); coding-DNA position 1321, G replaced by T.
Protein change: p.Val441Leu; replaces valine 441 with leucine.
Molecular consequence: missense variant.
Genome position (GRCh38, 1-based): chr20:63,488,369, C>A on the plus strand (G>T on the coding strand, the complement: EEF1A2 is on the minus strand). VCF-style: chr20-63488369-C-A. GRCh37 (hg19) VCF-style: chr20-62119722-C-A.
Other names: short protein forms V441L.
Identifiers: ClinVar variation 4764289 (VCV004764289.2).
Genomic context (GRCh38, chr20:63,488,369, plus strand): 5'-CCTTCTGCGCCTTCTGCGCCGACTTGGTGACCTTGCCGGCGCCGCCGCTCTTCTTCTCCA[C>A]GTTCTTGATGACGCCTACGGCCACCGTCTGCCTCATGTCGCGCACGGCGAAGCGGCCTGG-3'
Protein context (NP_001949.1, residues 431-451): QTVAVGVIKN[Val441Leu]EKKSGGAGKV

ClinVar aggregate classification (germline): Uncertain significance. Review status: criteria provided, multiple submitters, no conflicts (2 of 4 stars). 2 submissions from 2 submitters: Uncertain significance (2). Last evaluated 2025-11-25.

Conditions:
Developmental and epileptic encephalopathy, 33 (DEE33). Also called: Epileptic encephalopathy, early infantile, 33. Identifiers: Orphanet 442835, MedGen C4225337, MONDO:0014625, OMIM 616409.

Submissions (2):

Labcorp Genetics (formerly Invitae), Labcorp
Classification: Uncertain significance for Developmental and epileptic encephalopathy, 33. Last evaluated: 2025-11-25. Review status: criteria provided, single submitter. Criteria: Invitae Variant Classification Sherloc (09022015). Collection method: clinical testing. Allele origin: germline.
Comment: This sequence change replaces valine, which is neutral and non-polar, with leucine, which is neutral and non-polar, at codon 441 of the EEF1A2 protein (p.Val441Leu). This variant is not present in population databases (gnomAD no frequency). This variant has not been reported in the literature in individuals affected with EEF1A2-related conditions. Invitae Evidence Modeling of protein sequence and biophysical properties (such as structural, functional, and spatial information, amino acid conservation, physicochemical variation, residue mobility, and thermodynamic stability) indicates that this missense variant is not expected to disrupt EEF1A2 protein function with a negative predictive value of 80%. In summary, the available evidence is currently insufficient to determine the role of this variant in disease. Therefore, it has been classified as a Variant of Uncertain Significance.

Blueprint Genetics
Classification: Uncertain significance. Last evaluated: 2021-04-08. Review status: criteria provided, single submitter. Criteria: ACMG Guidelines, 2015. Collection method: clinical testing. Allele origin: germline.